The following is an entry in ClinVar:

ClinVar aggregate classification (germline): Uncertain significance (1 of 4 stars; one submission).

gnomAD v4.1: 1 of 1,577,590 alleles (0.000063%); highest among the groups gnomAD compares: Non-Finnish European, 0.000086%; no homozygotes.

Submission:

GeneDx
Classification: Uncertain significance. Last evaluated: 2026-03-17. Review status: criteria provided, single submitter. Criteria: GeneDx Variant Classification Process June 2021. Collection method: clinical testing. Allele origin: germline.
Comment: Not observed at significant frequency in large population cohorts (gnomAD); In silico analysis suggests that this missense variant does not alter protein structure/function; Has not been previously published as pathogenic or benign to our knowledge

NM_002069.6(GNAI1):c.793A>G (p.Ile265Val)

Gene: GNAI1 (G protein subunit alpha i1; plus strand). Cytogenetic location: 7q21.11.
Variant type: single nucleotide variant.
Coding change: c.793A>G on transcript NM_002069.6 (MANE Select); coding-DNA position 793, A replaced by G.
Protein change: p.Ile265Val; replaces isoleucine 265 with valine.
Molecular consequence: missense variant.
Genome position (GRCh38, 1-based): chr7:80,212,788, A>G. VCF-style: chr7-80212788-A-G. GRCh37 (hg19) VCF-style: chr7-79842104-A-G.
Other names: c.637A>G, p.Ile213Val (NM_001256414.2); short protein forms I213V, I265V.
Identifiers: ClinVar variation 5009155 (VCV005009155.1).